The following is an entry in ClinVar:

NM_003200.5(TCF3):c.1400G>A (p.Ser467Asn)

Gene: TCF3 (transcription factor 3; minus strand). Cytogenetic location: 19p13.3.
Variant type: single nucleotide variant.
Coding change: c.1400G>A on transcript NM_003200.5 (MANE Select); coding-DNA position 1400, G replaced by A.
Protein change: p.Ser467Asn; replaces serine 467 with asparagine.
Molecular consequence: missense variant.
Genome position (GRCh38, 1-based): chr19:1,619,161, C>T on the plus strand (G>A on the coding strand, the complement: TCF3 is on the minus strand). VCF-style: chr19-1619161-C-T. GRCh37 (hg19) VCF-style: chr19-1619160-C-T.
Other names: c.1400G>A, p.Ser467Asn (NM_001136139.4, NM_001351779.2); c.1397G>A, p.Ser466Asn (NM_001351778.2); short protein forms S466N, S467N.
Identifiers: ClinVar variation 1950951 (VCV001950951.5), dbSNP rs1349192826, ClinGen allele CA403052382.

ClinVar aggregate classification (germline): Uncertain significance (1 of 4 stars; one submission).

gnomAD v4.1: 1 of 1,600,178 alleles (0.000062%); highest among the groups gnomAD compares: Non-Finnish European, 0.000085%; no homozygotes.

Submission:

Labcorp Genetics (formerly Invitae), Labcorp
Classification: Uncertain significance. Last evaluated: 2022-08-28. Review status: criteria provided, single submitter. Criteria: Invitae Variant Classification Sherloc (09022015). Collection method: clinical testing. Allele origin: germline.
Comment: In summary, the available evidence is currently insufficient to determine the role of this variant in disease. Therefore, it has been classified as a Variant of Uncertain Significance. Algorithms developed to predict the effect of missense changes on protein structure and function output the following: SIFT: "Not Available"; PolyPhen-2: "Benign"; Align-GVGD: "Not Available". The asparagine amino acid residue is found in multiple mammalian species, which suggests that this missense change does not adversely affect protein function. This variant has not been reported in the literature in individuals affected with TCF3-related conditions. The frequency data for this variant in the population databases is considered unreliable, as metrics indicate poor data quality at this position in the gnomAD database. This sequence change replaces serine, which is neutral and polar, with asparagine, which is neutral and polar, at codon 467 of the TCF3 protein (p.Ser467Asn).